The following is an entry in ClinVar:

NM_014687.4(RUBCN):c.2399A>G (p.Tyr800Cys)

Gene: RUBCN (rubicon autophagy regulator; minus strand). Cytogenetic location: 3q29.
Variant type: single nucleotide variant.
Coding change: c.2399A>G on transcript NM_014687.4 (MANE Select); coding-DNA position 2399, A replaced by G.
Protein change: p.Tyr800Cys; replaces tyrosine 800 with cysteine.
Molecular consequence: missense variant.
Genome position (GRCh38, 1-based): chr3:197,681,160, T>C on the plus strand (A>G on the coding strand, the complement: RUBCN is on the minus strand). VCF-style: chr3-197681160-T-C. GRCh37 (hg19) VCF-style: chr3-197408031-T-C.
Other names: c.2264A>G, p.Tyr755Cys (NM_001145642.5); c.2516A>G, p.Tyr839Cys (NM_001346873.2); short protein forms Y755C, Y800C, Y839C.
Identifiers: ClinVar variation 1700446 (VCV001700446.2), dbSNP rs1200787833, ClinGen allele CA355666196.

ClinVar aggregate classification (germline): Uncertain significance (1 of 4 stars; one submission).

Allele frequency attached by ClinVar (database versions not stated): gnomAD exomes below 0.00001 and 0.00001.
gnomAD v4.1: 1 of 1,613,354 alleles (0.000062%); highest among the groups gnomAD compares: Non-Finnish European, 0.000085%; no homozygotes.

Submission:

GeneDx
Classification: Uncertain significance. Last evaluated: 2022-02-04. Review status: criteria provided, single submitter. Criteria: GeneDx Variant Classification Process June 2021. Collection method: clinical testing. Allele origin: germline. Affected: yes.
Comment: Not observed at significant frequency in large population cohorts (gnomAD); In silico analysis supports that this missense variant has a deleterious effect on protein structure/function; Has not been previously published as pathogenic or benign to our knowledge